The following is an entry in ClinVar:

NM_000136.3(FANCC):c.693G>A (p.Lys231=)

Genes: FANCC (FA complementation group C; minus strand), AOPEP (aminopeptidase O (putative); plus strand). Cytogenetic location: 9q22.32.
Variant type: single nucleotide variant.
Coding change: c.693G>A on transcript NM_000136.3 (MANE Select); coding-DNA position 693, G replaced by A.
Protein change: p.Lys231=; no amino-acid change (lysine 231 retained).
Molecular consequence: synonymous variant.
Genome position (GRCh38, 1-based): chr9:95,135,496, C>T on the plus strand (G>A on the coding strand, the complement: FANCC is on the minus strand). VCF-style: chr9-95135496-C-T. GRCh37 (hg19) VCF-style: chr9-97897778-C-T.
Other names: c.693G>A, p.Lys231= (NM_001243743.2, NM_001243744.2).
Identifiers: ClinVar variation 701621 (VCV000701621.14), dbSNP rs955961811, ClinGen allele CA196562636.

ClinVar aggregate classification (germline): Conflicting classifications of pathogenicity. Review status: criteria provided, conflicting classifications (1 of 4 stars). 3 submissions from 3 submitters: Uncertain significance (2); Likely benign (1). Last evaluated 2025-03-31.

Conditions:
Fanconi anemia (FA). Also called: Fanconi's anemia. Identifiers: Orphanet 84, MedGen C0015625, MeSH D005199, MONDO:0019391.
Hereditary cancer-predisposing syndrome. Also called: Hereditary Cancer Syndrome; Tumor predisposition; Neoplastic Syndromes, Hereditary; Hereditary neoplastic syndrome. Identifiers: Orphanet 140162, MedGen C0027672, MeSH D009386, MONDO:0015356.

Allele frequency attached by ClinVar (database versions not stated): gnomAD exomes below 0.00001; gnomAD 0.00001; TOPMed 0.00003.
gnomAD v4.1: 3 of 1,613,652 alleles (0.00019%); highest among the groups gnomAD compares: African/African-American, 0.004%; no homozygotes.

Submissions (3):

Labcorp Genetics (formerly Invitae), Labcorp
Classification: Likely benign for Fanconi anemia. Last evaluated: 2025-03-31. Review status: criteria provided, single submitter. Criteria: Invitae Variant Classification Sherloc (09022015). Collection method: clinical testing. Allele origin: germline.

Ambry Genetics
Classification: Uncertain significance for Hereditary cancer-predisposing syndrome. Last evaluated: 2024-03-21. Review status: criteria provided, single submitter. Criteria: Ambry Variant Classification Scheme 2023. Collection method: clinical testing. Allele origin: germline.
Comment: The c.693G>A variant (also known as p.K231K), located in coding exon 7 of the FANCC gene, results from a G to A substitution at nucleotide position 693. This nucleotide substitution does not change the lysine at codon 231. This nucleotide position is well conserved in available vertebrate species. In silico splice site analysis predicts that this alteration may weaken the native splice acceptor site. Based on the available evidence, the clinical significance of this alteration remains unclear.

GeneDx
Classification: Uncertain significance. Last evaluated: 2022-06-25. Review status: criteria provided, single submitter. Criteria: GeneDx Variant Classification Process June 2021. Collection method: clinical testing. Allele origin: germline. Affected: yes.
Comment: Not observed at significant frequency in large population cohorts (gnomAD); Has not been previously published as pathogenic or benign to our knowledge; In-silico analysis is inconclusive as to whether the variant alters gene splicing. In the absence of RNA/functional studies, the actual effect of this sequence change is unknown.